The following is an entry in ClinVar:

NM_001045.6(SLC6A4):c.1393T>C (p.Phe465Leu)

Gene: SLC6A4 (solute carrier family 6 member 4; minus strand). Cytogenetic location: 17q11.2.
Variant type: single nucleotide variant.
Coding change: c.1393T>C on transcript NM_001045.6 (MANE Select); coding-DNA position 1393, T replaced by C.
Protein change: p.Phe465Leu; replaces phenylalanine 465 with leucine.
Molecular consequence: missense variant.
Genome position (GRCh38, 1-based): chr17:30,210,571, A>G on the plus strand (T>C on the coding strand, the complement: SLC6A4 is on the minus strand). VCF-style: chr17-30210571-A-G. GRCh37 (hg19) VCF-style: chr17-28537589-A-G.
Other names: short protein forms F465L.
Identifiers: ClinVar variation 891507 (VCV000891507.6), dbSNP rs28914833, ClinGen allele CA8480177.
Genomic context (GRCh38, chr17:30,210,571, plus strand): 5'-TCACAAAAGTCAGGGTGACCAGGGATCCAAAGAAGCAGGTGATGACCACGGCGAGCACGA[A>G]CCGCTCCCGGCGCTTGGCCCAGACGTGTGGGAACTCATCCAGCACAGCCGTGATCACCCC-3'
Protein context (NP_001036.1, residues 455-475): PHVWAKRRER[Phe465Leu]VLAVVITCFF

ClinVar aggregate classification (germline): Likely benign. Review status: criteria provided, single submitter (1 of 4 stars). 2 submissions from 2 submitters: Likely benign (1). 1 of the submissions does not count toward it. Last evaluated 2017-04-28.

Conditions:
Behavior disorder. Also called: Behavioral disorder. Identifiers: MedGen C0004930.
SLC6A4-related disorder. Also called: SLC6A4-related condition.

Allele frequency attached by ClinVar (database versions not stated): gnomAD exomes 0.00013 and 0.00031; ExAC 0.00038; gnomAD 0.00114 and 0.00116; TOPMed 0.00120; ESP Exome Variant Server 0.00146; 1000 Genomes Project 0.00319; 1000 Genomes Project 30x 0.00390.
gnomAD v4.1: 363 of 1,613,894 alleles (0.022%); highest among the groups gnomAD compares: African/African-American, 0.42%; no homozygotes.

Submissions (2):

Illumina Laboratory Services, Illumina
Classification: Likely benign for Behavior disorder. Last evaluated: 2017-04-28. Review status: criteria provided, single submitter. Criteria: ICSL Variant Classification Criteria 13 December 2019. Collection method: clinical testing. Allele origin: germline.
Comment: This variant was observed as part of a predisposition screen in an ostensibly healthy population. A literature search was performed for the gene, cDNA change, and amino acid change (where applicable). Publications were found based on this search. The evidence from the literature, in combination with allele frequency data from public databases where available, was sufficient to determine this variant is unlikely to cause disease. Therefore, this variant is classified as likely benign.

PreventionGenetics, part of Exact Sciences
Classification: Benign for SLC6A4-related condition. Last evaluated: 2020-07-27. Review status: no assertion criteria provided. Collection method: clinical testing. Allele origin: germline. Not counted in ClinVar's aggregate classification.
Comment: This variant is classified as benign based on ACMG/AMP sequence variant interpretation guidelines (Richards et al. 2015 PMID: 25741868, with internal and published modifications).

Literature cited by the submitters: PubMed 15995945 (cited by Illumina Laboratory Services, Illumina); PubMed 18957375 (cited by Illumina Laboratory Services, Illumina).